The following is an entry in ClinVar:

ClinVar aggregate classification (germline): Uncertain significance (1 of 4 stars; one submission).

Submission:

GeneDx
Classification: Uncertain significance. Last evaluated: 2024-03-05. Review status: criteria provided, single submitter. Criteria: GeneDx Variant Classification Process June 2021. Collection method: clinical testing. Allele origin: germline.
Comment: Canonical splice site variant in a gene or region of a gene for which loss of function is not a well-established mechanism of disease; Not observed at significant frequency in large population cohorts (gnomAD); Has not been previously published as pathogenic or benign to our knowledge

NM_181675.4(PPP2R2B):c.447+1G>A

Gene: PPP2R2B (protein phosphatase 2 regulatory subunit Bbeta; minus strand). Cytogenetic location: 5q32.
Variant type: single nucleotide variant.
Coding change: c.447+1G>A on transcript NM_181675.4 (MANE Select); the canonical splice donor site of the intron after coding-DNA position 447, G replaced by A.
Molecular consequence: splice donor variant.
Genome position (GRCh38, 1-based): chr5:146,691,127, C>T on the plus strand (G>A on the coding strand, the complement: PPP2R2B is on the minus strand). VCF-style: chr5-146691127-C-T. GRCh37 (hg19) VCF-style: chr5-146070690-C-T.
Other names: c.414+1G>A (NM_181678.2, NM_001271948.2); c.387+1G>A (NM_181677.2); c.621+1G>A (NM_001271900.2); c.456+1G>A (NM_181676.3); c.645+1G>A (NM_181674.3); c.465+1G>A (NM_001271899.1).
Identifiers: ClinVar variation 1702552 (VCV001702552.3), dbSNP rs2151152854, ClinGen allele CA361881289.
Genomic context (GRCh38, chr5:146,691,127, plus strand): 5'-ATGGCCAACCTTAGGAGACCTGCCCCTGACTGTGGTGGCCAGGGCAGCTGTTTGCACTCA[C>T]CCGCAGGGTTGTGATGGTGGCAGGATCCCGGAGCCGGCCCTCCTCATCTTTCAGATTGTA-3'